The following is an entry in ClinVar:

NM_003265.3(TLR3):c.221A>G (p.Tyr74Cys)

Gene: TLR3 (toll like receptor 3; plus strand). Cytogenetic location: 4q35.1.
Variant type: single nucleotide variant.
Coding change: c.221A>G on transcript NM_003265.3 (MANE Select); coding-DNA position 221, A replaced by G.
Protein change: p.Tyr74Cys; replaces tyrosine 74 with cysteine.
Molecular consequence: missense variant.
Genome position (GRCh38, 1-based): chr4:186,076,840, A>G. VCF-style: chr4-186076840-A-G. GRCh37 (hg19) VCF-style: chr4-186997994-A-G.
Other names: short protein forms Y74C.
Identifiers: ClinVar variation 4744547 (VCV004744547.1).

ClinVar aggregate classification (germline): Uncertain significance (1 of 4 stars; one submission).

Conditions:
Encephalopathy, acute, infection-induced (herpes-specific), susceptibility to, 1. Also called: Herpes simplex encephalitis, susceptibility to, 1. Identifiers: Orphanet 1930, MedGen C2750180, MONDO:0024563, OMIM 610551.

Submission:

Labcorp Genetics (formerly Invitae), Labcorp
Classification: Uncertain significance for Encephalopathy, acute, infection-induced (herpes-specific), susceptibility to, 1. Last evaluated: 2025-03-05. Review status: criteria provided, single submitter. Criteria: Invitae Variant Classification Sherloc (09022015). Collection method: clinical testing. Allele origin: germline.
Comment: This sequence change replaces tyrosine, which is neutral and polar, with cysteine, which is neutral and slightly polar, at codon 74 of the TLR3 protein (p.Tyr74Cys). This variant is not present in population databases (gnomAD no frequency). This variant has not been reported in the literature in individuals affected with TLR3-related conditions. An algorithm developed to predict the effect of missense changes on protein structure and function (PolyPhen-2) suggests that this variant is likely to be disruptive. In summary, the available evidence is currently insufficient to determine the role of this variant in disease. Therefore, it has been classified as a Variant of Uncertain Significance.